The following is an entry in ClinVar:

NC_000018.9:g.(?_59713069)_(59828606_?)del

Gene: PIGN (phosphatidylinositol glycan anchor biosynthesis class N; minus strand). Cytogenetic location: 18q21.33.
Variant type: Deletion.
Identifiers: ClinVar variation 2427546 (VCV002427546.3).

ClinVar aggregate classification (germline): Pathogenic (1 of 4 stars; one submission).

Conditions:
Multiple congenital anomalies-hypotonia-seizures syndrome 1 (MCAHS1). Also called: PIGN-CDG; Congenital disorder of glycosylation due to PIGN deficiency; GLYCOSYLPHOSPHATIDYLINOSITOL BIOSYNTHESIS DEFECT 3. Identifiers: Orphanet 280633, MedGen C3279775, MONDO:0013563, OMIM 614080.

Submission:

Labcorp Genetics (formerly Invitae), Labcorp
Classification: Pathogenic for Multiple congenital anomalies-hypotonia-seizures syndrome 1. Last evaluated: 2022-06-23. Review status: criteria provided, single submitter. Criteria: Invitae Variant Classification Sherloc (09022015). Collection method: clinical testing. Allele origin: germline.
Comment: A gross deletion of the genomic region encompassing the full coding sequence of the PIGN gene has been identified. Loss-of-function variants in PIGN are known to be pathogenic (PMID: 24253414, 27038415). The boundaries of this event are unknown as they extend beyond the assayed region for this gene and therefore may encompass additional genes. This variant has not been reported in the literature in individuals affected with PIGN-related conditions. For these reasons, this variant has been classified as Pathogenic.

Literature cited by the submitters: PubMed 24253414; PubMed 27038415.